The following is an entry in ClinVar:

ClinVar aggregate classification (germline): Likely benign. Review status: criteria provided, multiple submitters, no conflicts (2 of 4 stars). 2 submissions from 2 submitters: Likely benign (2). Last evaluated 2024-04-01.

Conditions:
Familial thoracic aortic aneurysm and aortic dissection (TAAD). Also called: Thoracic aortic aneurysms and dissections. Identifiers: Orphanet 91387, MedGen C4707243, MONDO:0019625.

Allele frequency attached by ClinVar (database versions not stated): gnomAD exomes below 0.00001.
gnomAD v4.1: 1 of 1,614,214 alleles (0.000062%); no homozygotes.

Submissions (2):

CeGaT Center for Human Genetics Tuebingen
Classification: Likely benign. Last evaluated: 2024-04-01. Review status: criteria provided, single submitter. Criteria: CeGaT Center For Human Genetics Tuebingen Variant Classification Criteria Version 2. Collection method: clinical testing. Allele origin: germline. Affected: yes. Observed: 1 variant allele.
Comment: TGFBR2: PM2:Supporting, BP4, BP7

Ambry Genetics
Classification: Likely benign for Familial thoracic aortic aneurysm and aortic dissection. Last evaluated: 2020-02-14. Review status: criteria provided, single submitter. Criteria: Ambry Variant Classification Scheme 2023. Collection method: clinical testing. Allele origin: germline.

NM_003242.6(TGFBR2):c.1474T>C (p.Leu492=)

Gene: TGFBR2 (transforming growth factor beta receptor 2; plus strand). Cytogenetic location: 3p24.1.
Variant type: single nucleotide variant.
Coding change: c.1474T>C on transcript NM_003242.6 (MANE Select); coding-DNA position 1474, T replaced by C.
Protein change: p.Leu492=; no amino-acid change (leucine 492 retained).
Molecular consequence: synonymous variant.
Genome position (GRCh38, 1-based): chr3:30,688,461, T>C. VCF-style: chr3-30688461-T-C. GRCh37 (hg19) VCF-style: chr3-30729953-T-C.
Other names: c.1549T>C, p.Leu517= (NM_001024847.3); c.1657T>C, p.Leu553= (NM_001407126.1); c.1582T>C, p.Leu528= (NM_001407127.1); c.1501T>C, p.Leu501= (NM_001407128.1); c.1477T>C, p.Leu493= (NM_001407129.1); c.1471T>C, p.Leu491= (NM_001407130.1); c.1369T>C, p.Leu457= (NM_001407132.1, NM_001407133.1, NM_001407134.1 and 2 more transcripts); c.1189T>C, p.Leu397= (NM_001407137.1); and 2 more.
Identifiers: ClinVar variation 1773446 (VCV001773446.22), dbSNP rs2125452028, ClinGen allele CA432917830.
Genomic context (GRCh38, chr3:30,688,461, plus strand): 5'-CCTCCATTTGGTTCCAAGGTGCGGGAGCACCCCTGTGTCGAAAGCATGAAGGACAACGTG[T>C]TGAGAGATCGAGGGCGACCAGAAATTCCCAGCTTCTGGCTCAACCACCAGGTAAGGAGTG-3'
Protein context (NP_003233.4, residues 482-502): PCVESMKDNV[Leu492=]RDRGRPEIPS